The following is an entry in ClinVar:

ClinVar aggregate classification (germline): Uncertain significance. Review status: criteria provided, multiple submitters, no conflicts (2 of 4 stars). 2 submissions from 2 submitters: Uncertain significance (2). Last evaluated 2023-06-30.

Allele frequency attached by ClinVar (database versions not stated): gnomAD 0.00001; gnomAD exomes 0.00001; ExAC 0.00002; TOPMed 0.00002.

Submissions (2):

Ambry Genetics
Classification: Uncertain significance. Last evaluated: 2023-06-30. Review status: criteria provided, single submitter. Criteria: Ambry Variant Classification Scheme 2023. Collection method: clinical testing. Allele origin: germline.

Labcorp Genetics (formerly Invitae), Labcorp
Classification: Uncertain significance. Last evaluated: 2021-01-16. Review status: criteria provided, single submitter. Criteria: Invitae Variant Classification Sherloc (09022015). Collection method: clinical testing. Allele origin: germline.
Comment: In summary, the available evidence is currently insufficient to determine the role of this variant in disease. Therefore, it has been classified as a Variant of Uncertain Significance. This sequence change replaces proline with serine at codon 820 of the TMEM132E protein (p.Pro820Ser). The proline residue is weakly conserved and there is a moderate physicochemical difference between proline and serine. This variant is present in population databases (rs772463310, ExAC 0.02%). This variant has not been reported in the literature in individuals with TMEM132E-related conditions. Algorithms developed to predict the effect of missense changes on protein structure and function are either unavailable or do not agree on the potential impact of this missense change (SIFT: "Deleterious"; PolyPhen-2: "Not Available"; Align-GVGD: "Class C0").

NM_001304438.2(TMEM132E):c.2458C>T (p.Pro820Ser)

Gene: TMEM132E (transmembrane protein 132E; plus strand). Cytogenetic location: 17q12.
Variant type: single nucleotide variant.
Coding change: c.2458C>T on transcript NM_001304438.2 (MANE Select); coding-DNA position 2458, C replaced by T.
Protein change: p.Pro820Ser; replaces proline 820 with serine.
Molecular consequence: missense variant.
Genome position (GRCh38, 1-based): chr17:34,637,465, C>T. VCF-style: chr17-34637465-C-T. GRCh37 (hg19) VCF-style: chr17-32964484-C-T.
Other names: NM_207313.1:c.2188C>T; short protein forms P820S.
Identifiers: ClinVar variation 1512325 (VCV001512325.9), dbSNP rs772463310, ClinGen allele CA8496956.